The following is an entry in ClinVar:

ClinVar aggregate classification (germline): Uncertain significance (1 of 4 stars; one submission).

Allele frequency attached by ClinVar (database versions not stated): gnomAD exomes below 0.00001.

Submission:

Labcorp Genetics (formerly Invitae), Labcorp
Classification: Uncertain significance. Last evaluated: 2025-07-29. Review status: criteria provided, single submitter. Criteria: Invitae Variant Classification Sherloc (09022015). Collection method: clinical testing. Allele origin: germline.
Comment: This sequence change replaces arginine, which is basic and polar, with glutamine, which is neutral and polar, at codon 106 of the ALPK3 protein (p.Arg106Gln). The frequency data for this variant in the population databases is considered unreliable, as metrics indicate poor data quality at this position in the gnomAD database. This variant has not been reported in the literature in individuals affected with ALPK3-related conditions. ClinVar contains an entry for this variant (Variation ID: 2180850). An algorithm developed to predict the effect of missense changes on protein structure and function (PolyPhen-2) suggests that this variant is likely to be tolerated. In summary, the available evidence is currently insufficient to determine the role of this variant in disease. Therefore, it has been classified as a Variant of Uncertain Significance.

NC_000015.10:g.84817163G>A

Gene: ALPK3 (alpha kinase 3; plus strand). Cytogenetic location: 15q25.3.
Variant type: single nucleotide variant.
Genome position: GRCh38 VCF-style: chr15-84817163-G-A. GRCh37 (hg19) VCF-style: chr15-85360394-G-A.
Identifiers: ClinVar variation 2180850 (VCV002180850.4), dbSNP rs1006856622, ClinGen allele CA393368658.